The following is an entry in ClinVar:

GRCh37/hg19 18q21.31-23(chr18:56102873-74360560)x3

Genes: ALPK2 (alpha kinase 2; minus strand), BCL2 (BCL2 apoptosis regulator; minus strand), C18orf63 (chromosome 18 open reading frame 63; plus strand), CBLN2 (cerebellin 2 precursor; minus strand), CCBE1 (collagen and calcium binding EGF domains 1; minus strand) and 52 more. Cytogenetic location: 18q21.31-23.
Variant type: copy number gain.
Change: copy number 3 (three copies instead of two) of chr18:56,102,873-74,360,560 (18.26 Mb, GRCh37 coordinates, 1-based), cytogenetic band 18q21.31-23.
Identifiers: ClinVar variation 3391825 (VCV003391825.1).

ClinVar aggregate classification (germline): Likely pathogenic (1 of 4 stars; one submission).

Submission:

Quest Diagnostics Nichols Institute San Juan Capistrano
Classification: Likely pathogenic. Last evaluated: 2023-09-27. Review status: criteria provided, single submitter. Criteria: ACMG/ClinGen CNV Guidelines, 2019. Collection method: clinical testing. Allele origin: unknown.
Comment: This copy number gain involves 55 protein-coding genes. Distal 18q duplications partially overlapping the current interval have been identified in individuals with inconsistent phenotypes (Ceccarini 2007, Henson 2012, Quiroga 2011). Based on gene count, this copy number variant (CNV) is classified as likely pathogenic. References: Ceccarini et al., Am J Med Genet A. 2007 Feb 15;143(4):343-8. PMID: 17256793; Henson et al., Am J Med Genet A. 2012 Jul;158A(7):1788-92. PMID: 22653737; Quiroga et al., Cytogenet Genome Res. 2011;133(1):78-83. PMID: 21228546